The following is an entry in ClinVar:

NM_001165963.4(SCN1A):c.4632C>T (p.Asp1544=)

Genes: SCN1A (sodium voltage-gated channel alpha subunit 1; minus strand), LOC102724058 (uncharacterized LOC102724058; plus strand). Cytogenetic location: 2q24.3.
Variant type: single nucleotide variant.
Coding change: c.4632C>T on transcript NM_001165963.4 (MANE Select); coding-DNA position 4632, C replaced by T.
Protein change: p.Asp1544=; no amino-acid change (aspartic acid 1544 retained).
Molecular consequence: synonymous variant. On other transcripts: non-coding transcript variant (1).
Genome position (GRCh38, 1-based): chr2:165,994,366, G>A on the plus strand (C>T on the coding strand, the complement: SCN1A is on the minus strand). VCF-style: chr2-165994366-G-A. GRCh37 (hg19) VCF-style: chr2-166850876-G-A.
Other names: c.4548C>T, p.Asp1516= (NM_001165964.3, NM_001353957.2, NM_001353958.2); c.4632C>T, p.Asp1544= (NM_001202435.3, NM_001353948.2); c.4599C>T, p.Asp1533= (NM_001353949.2, NM_001353950.2, NM_001353951.2 and 2 more transcripts); c.4596C>T, p.Asp1532= (NM_001353954.2, NM_001353955.2); c.4545C>T, p.Asp1515= (NM_001353960.2); c.2190C>T, p.Asp730= (NM_001353961.2).
Identifiers: ClinVar variation 382490 (VCV000382490.6), dbSNP rs1057521371, ClinGen allele CA16603833.
Genomic context (GRCh38, chr2:165,994,366, plus strand): 5'-GTCATCTGTTTCCACCATCATTGTGACCATGTTAAGACAGATGAGAATCATGATGCTTAT[G>A]TCAAAAACTTGTCTGGTTACGAAGTCAAAGACCATTCCTTGAAATTTGTTCTGTAGAGAA-3'
Protein context (NP_001159435.1, residues 1534-1554): VFDFVTRQVF[Asp1544=]ISIMILICLN

ClinVar aggregate classification (germline): Likely benign. Review status: criteria provided, multiple submitters, no conflicts (2 of 4 stars). 2 submissions from 2 submitters: Likely benign (2). Last evaluated 2020-07-13.

Conditions:
Developmental and epileptic encephalopathy. Identifiers: MedGen C5779964, MONDO:0100620.

Submissions (2):

Labcorp Genetics (formerly Invitae), Labcorp
Classification: Likely benign for Early-infantile DEE. Last evaluated: 2020-07-13. Review status: criteria provided, single submitter. Criteria: Invitae Variant Classification Sherloc (09022015). Collection method: clinical testing. Allele origin: germline.

GeneDx
Classification: Likely benign. Last evaluated: 2015-12-24. Review status: criteria provided, single submitter. Criteria: GeneDx Variant Classification (06012015). Collection method: clinical testing. Allele origin: germline. Affected: yes.
Comment: This variant is considered likely benign or benign based on one or more of the following criteria: it is a conservative change, it occurs at a poorly conserved position in the protein, it is predicted to be benign by multiple in silico algorithms, and/or has population frequency not consistent with disease.